The following is an entry in ClinVar:

NM_182914.3(SYNE2):c.7301G>A (p.Arg2434Gln)

Gene: SYNE2 (spectrin repeat containing nuclear envelope protein 2; plus strand). Cytogenetic location: 14q23.2.
Variant type: single nucleotide variant.
Coding change: c.7301G>A on transcript NM_182914.3 (MANE Select); coding-DNA position 7301, G replaced by A.
Protein change: p.Arg2434Gln; replaces arginine 2434 with glutamine.
Molecular consequence: missense variant.
Genome position (GRCh38, 1-based): chr14:64,048,079, G>A. VCF-style: chr14-64048079-G-A. GRCh37 (hg19) VCF-style: chr14-64514797-G-A.
Other names: c.7301G>A, p.Arg2434Gln (NM_015180.6); short protein forms R2434Q.
Identifiers: ClinVar variation 586757 (VCV000586757.12), dbSNP rs202200597, ClinGen allele CA7220894.

ClinVar aggregate classification (germline): Conflicting classifications of pathogenicity. Review status: criteria provided, conflicting classifications (1 of 4 stars). 4 submissions from 4 submitters: Uncertain significance (3); Likely benign (1). Last evaluated 2026-01-19.

Conditions:
Emery-Dreifuss muscular dystrophy 5, autosomal dominant (EDMD5). Also called: EMERY-DREIFUSS MUSCULAR DYSTROPHY 5. Identifiers: Orphanet 261, MedGen C2751805, MONDO:0013072, OMIM 612999.

Allele frequency attached by ClinVar (database versions not stated): gnomAD exomes 0.00004 and 0.00009; ExAC 0.00007; ESP Exome Variant Server 0.00008; gnomAD 0.00011; TOPMed 0.00014; 1000 Genomes Project 0.00020; 1000 Genomes Project 30x 0.00031.
gnomAD v4.1: 80 of 1,613,442 alleles (0.005%); highest among the groups gnomAD compares: African/African-American, 0.032%; 1 homozygote.

Submissions (4):

Labcorp Genetics (formerly Invitae), Labcorp
Classification: Uncertain significance for Emery-Dreifuss muscular dystrophy 5, autosomal dominant. Last evaluated: 2026-01-19. Review status: criteria provided, single submitter. Criteria: Invitae Variant Classification Sherloc (09022015). Collection method: clinical testing. Allele origin: germline.
Comment: This sequence change replaces arginine, which is basic and polar, with glutamine, which is neutral and polar, at codon 2434 of the SYNE2 protein (p.Arg2434Gln). This variant is present in population databases (rs202200597, gnomAD 0.05%), and has an allele count higher than expected for a pathogenic variant. This variant has not been reported in the literature in individuals affected with SYNE2-related conditions. ClinVar contains an entry for this variant (Variation ID: 586757). An algorithm developed to predict the effect of missense changes on protein structure and function outputs the following: PolyPhen-2: "Benign". The glutamine amino acid residue is found in multiple mammalian species, which suggests that this missense change does not adversely affect protein function. In summary, the available evidence is currently insufficient to determine the role of this variant in disease. Therefore, it has been classified as a Variant of Uncertain Significance.

Ambry Genetics
Classification: Likely benign. Last evaluated: 2024-01-04. Review status: criteria provided, single submitter. Criteria: Ambry Variant Classification Scheme 2023. Collection method: clinical testing. Allele origin: germline.

Revvity Omics, Revvity
Classification: Uncertain significance for Emery-Dreifuss muscular dystrophy 5, autosomal dominant. Last evaluated: 2019-10-04. Review status: criteria provided, single submitter. Criteria: ACMG Guidelines, 2015. Collection method: clinical testing. Allele origin: germline.

Athena Diagnostics
Classification: Uncertain significance. Last evaluated: 2018-07-24. Review status: criteria provided, single submitter. Criteria: Athena Diagnostics Criteria. Collection method: clinical testing. Allele origin: germline.